The following is an entry in ClinVar:

ClinVar aggregate classification (germline): Benign/Likely benign. Review status: criteria provided, multiple submitters, no conflicts (2 of 4 stars). 5 submissions from 5 submitters: Benign (1); Likely benign (4). Last evaluated 2026-01-27.

Conditions:
Joubert syndrome 22 (JBTS22). Identifiers: Orphanet 2754, MedGen C3810278, MONDO:0014297, OMIM 615665.

Allele frequency attached by ClinVar (database versions not stated): gnomAD exomes 0.00066; ExAC 0.00085; ESP Exome Variant Server 0.00146; 1000 Genomes Project 0.00300; 1000 Genomes Project 30x 0.00312; gnomAD 0.00215 and 0.00224; TOPMed 0.00253.
gnomAD v4.1: 1,785 of 1,612,136 alleles (0.11%); highest among the groups gnomAD compares: African/African-American, 0.69%; 8 homozygotes.

Submissions (5):

Labcorp Genetics (formerly Invitae), Labcorp
Classification: Likely benign for Joubert syndrome 22. Last evaluated: 2026-01-27. Review status: criteria provided, single submitter. Criteria: Invitae Variant Classification Sherloc (09022015). Collection method: clinical testing. Allele origin: germline.

Blueprint Genetics
Classification: Likely benign. Last evaluated: 2024-10-23. Review status: criteria provided, single submitter. Criteria: ACMG Guidelines, 2015. Collection method: clinical testing. Allele origin: germline.

Mayo Clinic Laboratories, Mayo Clinic
Classification: Benign. Last evaluated: 2024-05-07. Review status: criteria provided, single submitter. Criteria: ACMG Guidelines, 2015. Collection method: clinical testing. Allele origin: germline. Observed: 2 variant alleles.
Comment: BS1, BS2, BP4

CeGaT Center for Human Genetics Tuebingen
Classification: Likely benign. Last evaluated: 2023-02-01. Review status: criteria provided, single submitter. Criteria: CeGaT Center For Human Genetics Tuebingen Variant Classification Criteria Version 2. Collection method: clinical testing. Allele origin: germline. Affected: yes. Observed: 1 variant allele.
Comment: PDE6D: BS2

Breakthrough Genomics
Classification: Likely benign. Review status: criteria provided, single submitter. Criteria: ACMG Guidelines, 2015. Collection method: not provided. Allele origin: germline. Inheritance: Autosomal recessive inheritance. Affected: yes.

NM_002601.4(PDE6D):c.409G>A (p.Asp137Asn)

Gene: PDE6D (phosphodiesterase 6D; minus strand). Cytogenetic location: 2q37.1.
Variant type: single nucleotide variant.
Coding change: c.409G>A on transcript NM_002601.4 (MANE Select); coding-DNA position 409, G replaced by A.
Protein change: p.Asp137Asn; replaces aspartic acid 137 with asparagine.
Molecular consequence: missense variant. On other transcripts: 3 prime UTR variant (1).
Genome position (GRCh38, 1-based): chr2:231,732,996, C>T on the plus strand (G>A on the coding strand, the complement: PDE6D is on the minus strand). VCF-style: chr2-231732996-C-T. GRCh37 (hg19) VCF-style: chr2-232597706-C-T.
Other names: p.Asp137Asn; c.*21G>A (NM_001291018.2); short protein forms D137N.
Identifiers: ClinVar variation 541700 (VCV000541700.38), dbSNP rs146510084, ClinGen allele CA2163170.